The following is an entry in ClinVar:

NM_015909.4(NBAS):c.209+1G>A

Gene: NBAS (NBAS subunit of NRZ tethering complex; minus strand). Cytogenetic location: 2p24.3.
Variant type: single nucleotide variant.
Coding change: c.209+1G>A on transcript NM_015909.4 (MANE Select); the canonical splice donor site of the intron after coding-DNA position 209, G replaced by A.
Molecular consequence: splice donor variant.
Genome position (GRCh38, 1-based): chr2:15,556,782, C>T on the plus strand (G>A on the coding strand, the complement: NBAS is on the minus strand). VCF-style: chr2-15556782-C-T. GRCh37 (hg19) VCF-style: chr2-15696906-C-T.
Identifiers: ClinVar variation 2151924 (VCV002151924.4), dbSNP rs749459870, ClinGen allele CA1537179.

ClinVar aggregate classification (germline): Likely pathogenic (1 of 4 stars; one submission).

Allele frequency attached by ClinVar (database versions not stated): gnomAD exomes below 0.00001; ExAC 0.00001; TOPMed 0.00001.
gnomAD v4.1: 2 of 1,609,230 alleles (0.00012%); highest among the groups gnomAD compares: African/African-American, 0.0013%; no homozygotes.

Submission:

Labcorp Genetics (formerly Invitae), Labcorp
Classification: Likely pathogenic. Last evaluated: 2023-11-27. Review status: criteria provided, single submitter. Criteria: Invitae Variant Classification Sherloc (09022015). Collection method: clinical testing. Allele origin: germline.
Comment: This sequence change affects a donor splice site in intron 3 of the NBAS gene. It is expected to disrupt RNA splicing. Variants that disrupt the donor or acceptor splice site typically lead to a loss of protein function (PMID: 16199547), and loss-of-function variants in NBAS are known to be pathogenic (PMID: 26073778, 26541327, 27789416, 28031453). This variant is present in population databases (rs749459870, gnomAD 0.007%). Disruption of this splice site has been observed in individual(s) with infantile liver failure (PMID: 29207168). ClinVar contains an entry for this variant (Variation ID: 2151924). Algorithms developed to predict the effect of sequence changes on RNA splicing suggest that this variant may disrupt the consensus splice site. In summary, the currently available evidence indicates that the variant is pathogenic, but additional data are needed to prove that conclusively. Therefore, this variant has been classified as Likely Pathogenic.

Literature cited by the submitters: PubMed 16199547; PubMed 26073778; PubMed 26541327; PubMed 27789416; PubMed 28031453; PubMed 29207168.